The following is an entry in ClinVar:

NM_181486.4(TBX5):c.139del (p.Thr47fs)

Gene: TBX5 (T-box transcription factor 5; minus strand). Cytogenetic location: 12q24.21.
Variant type: Deletion.
Coding change: c.139del on transcript NM_181486.4 (MANE Select); coding-DNA position 139, one base deleted (A; older notation c.139delA).
Protein change: p.Thr47fs; shifts the reading frame from threonine 47.
Molecular consequence: frameshift variant. On other transcripts: intron variant (1).
Genome position (GRCh38, 1-based): chr12:114,403,760, T deleted on the plus strand (A on the coding strand, the reverse complement: TBX5 is on the minus strand). VCF-style (leftmost placement, unchanged base first): chr12-114403759-GT-G. GRCh37 (hg19) VCF-style: chr12-114841564-GT-G.
Other names: c.139del, p.Thr47fs (NM_000192.3); c.-3-1840del (NM_080717.4); short protein forms T47fs.
Identifiers: ClinVar variation 4732634 (VCV004732634.1).

ClinVar aggregate classification (germline): Pathogenic (1 of 4 stars; one submission).

Conditions:
Aortic valve disease 2 (AOVD2). Identifiers: MedGen C3542024, MONDO:0013902, OMIM 614823.

Submission:

Labcorp Genetics (formerly Invitae), Labcorp
Classification: Pathogenic for Aortic valve disease 2. Last evaluated: 2025-12-06. Review status: criteria provided, single submitter. Criteria: Invitae Variant Classification Sherloc (09022015). Collection method: clinical testing. Allele origin: germline.
Comment: This sequence change creates a premature translational stop signal (p.Thr47Profs*19) in the TBX5 gene. It is expected to result in an absent or disrupted protein product. Loss-of-function variants in TBX5 are known to be pathogenic (PMID: 16183809, 16917909). This variant is not present in population databases (gnomAD no frequency). This variant has not been reported in the literature in individuals affected with TBX5-related conditions. For these reasons, this variant has been classified as Pathogenic.

Literature cited by the submitters: PubMed 16183809; PubMed 16917909.